The following is an entry in ClinVar:

NM_005477.3(HCN4):c.1241C>T (p.Ala414Val)

Gene: HCN4 (hyperpolarization activated cyclic nucleotide gated potassium channel 4; minus strand). Cytogenetic location: 15q24.1.
Variant type: single nucleotide variant.
Coding change: c.1241C>T on transcript NM_005477.3 (MANE Select); coding-DNA position 1241, C replaced by T.
Protein change: p.Ala414Val; replaces alanine 414 with valine.
Molecular consequence: missense variant.
Genome position (GRCh38, 1-based): chr15:73,332,261, G>A on the plus strand (C>T on the coding strand, the complement: HCN4 is on the minus strand). VCF-style: chr15-73332261-G-A. GRCh37 (hg19) VCF-style: chr15-73624602-G-A.
Other names: short protein forms A414V.
Identifiers: ClinVar variation 3650803 (VCV003650803.2).

ClinVar aggregate classification (germline): Uncertain significance (1 of 4 stars; one submission).

Conditions:
Brugada syndrome 8 (BRGDA8). Identifiers: Orphanet 130, MedGen C2751083, MONDO:0013148, OMIM 613123.

Submission:

Labcorp Genetics (formerly Invitae), Labcorp
Classification: Uncertain significance for Brugada syndrome 8. Last evaluated: 2024-07-16. Review status: criteria provided, single submitter. Criteria: Invitae Variant Classification Sherloc (09022015). Collection method: clinical testing. Allele origin: germline.
Comment: This sequence change replaces alanine, which is neutral and non-polar, with valine, which is neutral and non-polar, at codon 414 of the HCN4 protein (p.Ala414Val). This variant is not present in population databases (gnomAD no frequency). This variant has not been reported in the literature in individuals affected with HCN4-related conditions. Advanced modeling of protein sequence and biophysical properties (such as structural, functional, and spatial information, amino acid conservation, physicochemical variation, residue mobility, and thermodynamic stability) has been performed at Invitae for this missense variant, however the output from this modeling did not meet the statistical confidence thresholds required to predict the impact of this variant on HCN4 protein function. In summary, the available evidence is currently insufficient to determine the role of this variant in disease. Therefore, it has been classified as a Variant of Uncertain Significance.